The following is an entry in ClinVar:

NC_000016.9:g.(?_53721765)_(53734645_?)del

Gene: RPGRIP1L (RPGRIP1 like; minus strand). Cytogenetic location: 16q12.2.
Variant type: Deletion.
Identifiers: ClinVar variation 1422368 (VCV001422368.6).

ClinVar aggregate classification (germline): Pathogenic (1 of 4 stars; one submission).

Conditions:
Joubert syndrome. Also called: CEREBELLOPARENCHYMAL DISORDER IV; JOUBERT-BOLTSHAUSER SYNDROME; Familial aplasia of the vermis. Identifiers: Orphanet 475, MedGen C5979921, MONDO:0018772.
Meckel-Gruber syndrome. Also called: DYSENCEPHALIA SPLANCHNOCYSTICA; GRUBER SYNDROME; Dysencephalia splachnocystica. Identifiers: Orphanet 564, MedGen C0265215, MONDO:0018921.

Submission:

Labcorp Genetics (formerly Invitae), Labcorp
Classification: Pathogenic for Joubert syndrome; Meckel-Gruber syndrome. Last evaluated: 2021-03-28. Review status: criteria provided, single submitter. Criteria: Invitae Variant Classification Sherloc (09022015). Collection method: clinical testing. Allele origin: germline.
Comment: For these reasons, this variant has been classified as Pathogenic. This variant has not been reported in the literature in individuals with RPGRIP1L-related conditions. This variant is a gross deletion of the genomic region encompassing exon(s) 2-5 of the RPGRIP1L gene, which includes the initiator codon. The 5' end of this event is unknown as it extends beyond the assayed region for this gene and therefore may encompass additional genes. The 3' boundary is likely confined to intron 5 of the RPGRIP1L gene. It is expected to result in an absent or disrupted protein product. Loss-of-function variants in RPGRIP1L are known to be pathogenic (PMID: 17558409).

Literature cited by the submitters: PubMed 17558409.